The following is an entry in ClinVar:

ClinVar aggregate classification (germline): Uncertain significance (1 of 4 stars; one submission).

Conditions:
Gnathodiaphyseal dysplasia (GDD). Also called: GNATHODIAPHYSEAL SCLEROSIS; OSTEOGENESIS IMPERFECTA WITH UNUSUAL SKELETAL LESIONS. Identifiers: Orphanet 53697, MedGen C1833736, MONDO:0008151, OMIM 166260.
Autosomal recessive limb-girdle muscular dystrophy type 2L (LGMDR12). Also called: Limb-girdle muscular dystrophy, type 2L; MUSCULAR DYSTROPHY, LIMB-GIRDLE, AUTOSOMAL RECESSIVE 12; Limb-Girdle Muscular Dystrophy R12 Anoctamin-5-Related (LGMD-R12). Identifiers: Orphanet 206549, MedGen C1969785, MONDO:0012652, OMIM 611307.

Submission:

Labcorp Genetics (formerly Invitae), Labcorp
Classification: Uncertain significance for Autosomal recessive limb-girdle muscular dystrophy type 2L; Gnathodiaphyseal dysplasia. Last evaluated: 2025-02-13. Review status: criteria provided, single submitter. Criteria: Invitae Variant Classification Sherloc (09022015). Collection method: clinical testing. Allele origin: germline.
Comment: This sequence change replaces glutamic acid, which is acidic and polar, with aspartic acid, which is acidic and polar, at codon 534 of the ANO5 protein (p.Glu534Asp). This variant is not present in population databases (gnomAD no frequency). This variant has not been reported in the literature in individuals affected with ANO5-related conditions. Invitae Evidence Modeling of protein sequence and biophysical properties (such as structural, functional, and spatial information, amino acid conservation, physicochemical variation, residue mobility, and thermodynamic stability) has been performed for this missense variant. However, the output from this modeling did not meet the statistical confidence thresholds required to predict the impact of this variant on ANO5 protein function. In summary, the available evidence is currently insufficient to determine the role of this variant in disease. Therefore, it has been classified as a Variant of Uncertain Significance.

NM_213599.3(ANO5):c.1602A>T (p.Glu534Asp)

Gene: ANO5 (anoctamin 5; plus strand). Cytogenetic location: 11p14.3.
Variant type: single nucleotide variant.
Coding change: c.1602A>T on transcript NM_213599.3 (MANE Select); coding-DNA position 1602, A replaced by T.
Protein change: p.Glu534Asp; replaces glutamic acid 534 with aspartic acid.
Molecular consequence: missense variant. On other transcripts: intron variant (3).
Genome position (GRCh38, 1-based): chr11:22,259,713, A>T. VCF-style: chr11-22259713-A-T. GRCh37 (hg19) VCF-style: chr11-22281259-A-T.
Other names: c.1482A>T, p.Glu494Asp (NM_001441297.1); c.1446A>T, p.Glu482Asp (NM_001441298.1); c.1443A>T, p.Glu481Asp (NM_001441299.1); c.1365+1959A>T (NM_001441300.1); c.1362+1959A>T (NM_001441301.1); c.1314+1959A>T (NM_001441302.1); c.1599A>T, p.Glu533Asp (NM_001142649.2); c.1560A>T, p.Glu520Asp (NM_001410963.1); and 4 more; short protein forms E508D, E520D, E533D, E481D, E519D, E494D, E503D, E507D.
Identifiers: ClinVar variation 4790356 (VCV004790356.1).